The following is an entry in ClinVar:

NM_033305.3(VPS13A):c.287_292delinsAAAAATA (p.Ile96_Tyr98delinsLysLysTer)

Gene: VPS13A (vacuolar protein sorting 13 homolog A; plus strand). Cytogenetic location: 9q21.2.
Variant type: Indel.
Coding change: c.287_292delinsAAAAATA on transcript NM_033305.3 (MANE Select); coding-DNA positions 287 to 292, TAAAAT replaced by AAAAATA.
Protein change: p.Ile96_Tyr98delinsLysLysTer.
Molecular consequence: nonsense.
Genome position (GRCh38, 1-based): chr9:77,205,981-77,205,986, TAAAAT replaced by AAAAATA. VCF-style: chr9-77205981-TAAAAT-AAAAATA. GRCh37 (hg19) VCF-style: chr9-79820897-TAAAAT-AAAAATA.
Other names: c.287_292delinsAAAAATA, p.Ile96_Tyr98delinsLysLysTer (NM_001018037.2, NM_001018038.3, NM_015186.4).
Identifiers: ClinVar variation 4816388 (VCV004816388.1).

ClinVar aggregate classification (germline): Likely pathogenic (1 of 4 stars; one submission).

Conditions:
VPS13A-related neurodegenerative disease. Also called: LEVINE-CRITCHLEY SYNDROME; Choreoacanthocytosis; Chorea-acanthocytosis; ACANTHOCYTOSIS WITH NEUROLOGIC DISORDER; VPS13A Disease; Choreaacanthocytosis. Identifiers: Orphanet 2388, MedGen C0393576, MONDO:0008695, OMIM 200150.

Submission:

Natera, Inc.
Classification: Likely pathogenic for Choreaacanthocytosis. Last evaluated: 2025-03-24. Review status: criteria provided, single submitter. Criteria: Natera Variant Classification Schema (03/2026). Collection method: clinical testing. Allele origin: germline.
Comment: The c.287_292delinsAAAAATA variant in VPS13A is a frameshift variant predicted to shift the reading frame beginning at codon 96 and leads to a stop codon 3 codons downstream. This variant is expected to result in nonsense mediated decay, truncation, or a dysfunctional protein product. This variant is rare in the general population with a frequency below the threshold expected for the associated phenotype(s). Given the available evidence, this variant is classified as Likely Pathogenic.